The following is an entry in ClinVar:

ClinVar aggregate classification (germline): Likely benign. Review status: criteria provided, single submitter (1 of 4 stars). 2 submissions from 2 submitters: Likely benign (1). 1 of the submissions does not count toward it. Last evaluated 2025-12-08.

Conditions:
CRB2-related disorder. Also called: CRB2-related disorders; CRB2-related condition.

Allele frequency attached by ClinVar (database versions not stated): gnomAD 0.00005 and 0.00008; TOPMed 0.00006; 1000 Genomes Project 0.00040; 1000 Genomes Project 30x 0.00047.
gnomAD v4.1: 169 of 1,481,958 alleles (0.011%); highest among the groups gnomAD compares: South Asian, 0.019%; no homozygotes.

Submissions (2):

Labcorp Genetics (formerly Invitae), Labcorp
Classification: Likely benign. Last evaluated: 2025-12-08. Review status: criteria provided, single submitter. Criteria: Invitae Variant Classification Sherloc (09022015). Collection method: clinical testing. Allele origin: germline.

PreventionGenetics, part of Exact Sciences
Classification: Likely benign for CRB2-related condition. Last evaluated: 2020-06-01. Review status: no assertion criteria provided. Collection method: clinical testing. Allele origin: germline. Not counted in ClinVar's aggregate classification.
Comment: This variant is classified as likely benign based on ACMG/AMP sequence variant interpretation guidelines (Richards et al. 2015 PMID: 25741868, with internal and published modifications).

NM_173689.7(CRB2):c.2745C>T (p.Gly915=)

Gene: CRB2 (crumbs cell polarity complex component 2; plus strand). Cytogenetic location: 9q33.3.
Variant type: single nucleotide variant.
Coding change: c.2745C>T on transcript NM_173689.7 (MANE Select); coding-DNA position 2745, C replaced by T.
Protein change: p.Gly915=; no amino-acid change (glycine 915 retained).
Molecular consequence: synonymous variant. On other transcripts: non-coding transcript variant (1).
Genome position (GRCh38, 1-based): chr9:123,373,276, C>T. VCF-style: chr9-123373276-C-T. GRCh37 (hg19) VCF-style: chr9-126135555-C-T.
Other names: c.2745C>T (NM_173689.6).
Identifiers: ClinVar variation 1421326 (VCV001421326.10), dbSNP rs527637248, ClinGen allele CA199638719.